The following is an entry in ClinVar:

NM_005633.4(SOS1):c.1954G>C (p.Glu652Gln)

Gene: SOS1 (SOS Ras/Rac guanine nucleotide exchange factor 1; minus strand). Cytogenetic location: 2p22.1.
Variant type: single nucleotide variant.
Coding change: c.1954G>C on transcript NM_005633.4 (MANE Select); coding-DNA position 1954, G replaced by C.
Protein change: p.Glu652Gln; replaces glutamic acid 652 with glutamine.
Molecular consequence: missense variant.
Genome position (GRCh38, 1-based): chr2:39,013,976, C>G on the plus strand (G>C on the coding strand, the complement: SOS1 is on the minus strand). VCF-style: chr2-39013976-C-G. GRCh37 (hg19) VCF-style: chr2-39241117-C-G.
Other names: c.1933G>C, p.Glu645Gln (NM_001382394.1); c.1954G>C, p.Glu652Gln (NM_001382395.1); short protein forms E645Q, E652Q.
Identifiers: ClinVar variation 975013 (VCV000975013.3), dbSNP rs1408868952, ClinGen allele CA346364990.
Genomic context (GRCh38, chr2:39,013,976, plus strand): 5'-CACTCAAGGGTTGATCTCCATTCTCTATAGCTATGCGATCAGCTTCTGTTGGCTCAGGCT[C>G]TGGAATTTCAAACCTAACATAAAATAGAACAAATTAATGAAAAGACTAATTATATCGAGT-3'
Protein context (NP_005624.2, residues 642-662): SLIIERFEIP[Glu652Gln]PEPTEADRIA

ClinVar aggregate classification (germline): Conflicting classifications of pathogenicity. Review status: criteria provided, conflicting classifications (1 of 4 stars). 2 submissions from 2 submitters: Uncertain significance (1); Likely benign (1). Last evaluated 2024-08-06.

Conditions:
RASopathy. Also called: Noonan spectrum disorder; rasopathies. Identifiers: Orphanet 536391, MedGen C5555857, MONDO:0021060.

Allele frequency attached by ClinVar (database versions not stated): gnomAD exomes below 0.00001.
gnomAD v4.1: 1 of 1,604,402 alleles (0.000062%); highest among the groups gnomAD compares: Non-Finnish European, 0.000085%; no homozygotes.

Submissions (2):

Labcorp Genetics (formerly Invitae), Labcorp
Classification: Likely benign for RASopathy. Last evaluated: 2024-08-06. Review status: criteria provided, single submitter. Criteria: Invitae Variant Classification Sherloc (09022015). Collection method: clinical testing. Allele origin: germline.

Women's Health and Genetics/Laboratory Corporation of America, LabCorp
Classification: Uncertain significance. Last evaluated: 2020-07-27. Review status: criteria provided, single submitter. Criteria: LabCorp Variant Classification Summary - May 2015. Collection method: clinical testing. Allele origin: germline.
Comment: Variant summary: SOS1 c.1954G>C (p.Glu652Gln) results in a conservative amino acid change located in the Ras-like guanine nucleotide exchange factor, N-terminal (IPR000651) of the encoded protein sequence. Three of five in-silico tools predict a benign effect of the variant on protein function. The variant allele was found at a frequency of 4e-06 in 249374 control chromosomes. The available data on variant occurrences in the general population are insufficient to allow any conclusion about variant significance. To our knowledge, no occurrence of c.1954G>C in individuals affected with Noonan Syndrome and no experimental evidence demonstrating its impact on protein function have been reported. No clinical diagnostic laboratories have submitted clinical-significance assessments for this variant to ClinVar after 2014. Based on the evidence outlined above, the variant was classified as uncertain significance.